The following is an entry in ClinVar:

ClinVar aggregate classification (germline): Uncertain significance (1 of 4 stars; one submission).

gnomAD v4.1: 1 of 1,611,382 alleles (0.000062%); highest among the groups gnomAD compares: Non-Finnish European, 0.000085%; no homozygotes.

Submission:

GeneDx
Classification: Uncertain significance. Last evaluated: 2024-06-10. Review status: criteria provided, single submitter. Criteria: GeneDx Variant Classification Process June 2021. Collection method: clinical testing. Allele origin: germline. Affected: yes.
Comment: Not observed at significant frequency in large population cohorts (gnomAD); In silico analysis supports that this missense variant has a deleterious effect on protein structure/function; Has not been previously published as pathogenic or benign to our knowledge

NM_000414.4(HSD17B4):c.701G>A (p.Gly234Asp)

Gene: HSD17B4 (hydroxysteroid 17-beta dehydrogenase 4; plus strand). Cytogenetic location: 5q23.1.
Variant type: single nucleotide variant.
Coding change: c.701G>A on transcript NM_000414.4 (MANE Select); coding-DNA position 701, G replaced by A.
Protein change: p.Gly234Asp; replaces glycine 234 with aspartic acid.
Molecular consequence: missense variant. On other transcripts: non-coding transcript variant (2).
Genome position (GRCh38, 1-based): chr5:119,489,270, G>A. VCF-style: chr5-119489270-G-A. GRCh37 (hg19) VCF-style: chr5-118824965-G-A.
Other names: c.776G>A, p.Gly259Asp (NM_001199291.3); c.647G>A, p.Gly216Asp (NM_001199292.2); c.629G>A, p.Gly210Asp (NM_001292027.2); c.281G>A, p.Gly94Asp (NM_001292028.2); c.692G>A, p.Gly231Asp (NM_001374497.1); c.701G>A, p.Gly234Asp (NM_001374498.1); c.374G>A, p.Gly125Asp (NM_001374499.1); c.260G>A, p.Gly87Asp (NM_001374500.1); and 1 more; short protein forms G125D, G210D, G216D, G231D, G234D, G259D, G87D, G94D.
Identifiers: ClinVar variation 3390745 (VCV003390745.1).
Genomic context (GRCh38, chr5:119,489,270, plus strand): 5'-AGCCAGAGTATGTGGCACCTCTTGTCCTTTGGCTTTGTCACGAGAGTTGTGAGGAGAATG[G>A]TGGCTTGTTTGAGGTATTTGCACCTTCCTGTTTTCTCTTATTAGTTTTCTCCAGTTGCTT-3'
Protein context (NP_000405.1, residues 224-244): WLCHESCEEN[Gly234Asp]GLFEVGAGWI